The following is an entry in ClinVar:

NM_002485.5(NBN):c.1923dup (p.Lys642fs)

Gene: NBN (nibrin; minus strand). Cytogenetic location: 8q21.3.
Variant type: Duplication.
Coding change: c.1923dup on transcript NM_002485.5 (MANE Select); coding-DNA position 1923, one base duplicated (C; older notation c.1923dupC).
Protein change: p.Lys642fs; shifts the reading frame from lysine 642.
Molecular consequence: frameshift variant.
Genome position (GRCh38, 1-based): chr8:89,946,287, G duplicated on the plus strand (C on the coding strand, the reverse complement: NBN is on the minus strand). VCF-style (leftmost placement, unchanged base first): chr8-89946286-T-TG. GRCh37 (hg19) VCF-style: chr8-90958514-T-TG.
Other names: c.1677dup, p.Lys560fs (NM_001024688.3); short protein forms K560fs, K642fs.
Identifiers: ClinVar variation 2767365 (VCV002767365.3), dbSNP rs2488203294, ClinGen allele CA2697550008.

ClinVar aggregate classification (germline): Pathogenic (1 of 4 stars; one submission).

Conditions:
Microcephaly, normal intelligence and immunodeficiency (NBS). Also called: IMMUNODEFICIENCY, MICROCEPHALY, AND CHROMOSOMAL INSTABILITY; SEEMANOVA SYNDROME II; Nijmegen breakage syndrome; Microcephaly with normal intelligence immunodeficiency and lymphoreticular malignancies; Nonsyndromal microcephaly autosomal recessive with normal intelligence; Seemanova syndrome 2. Identifiers: Orphanet 647, MedGen C0398791, MONDO:0009623, OMIM 251260.

Submission:

Labcorp Genetics (formerly Invitae), Labcorp
Classification: Pathogenic for Microcephaly, normal intelligence and immunodeficiency. Last evaluated: 2023-10-19. Review status: criteria provided, single submitter. Criteria: Invitae Variant Classification Sherloc (09022015). Collection method: clinical testing. Allele origin: germline.
Comment: This sequence change creates a premature translational stop signal (p.Lys642Glnfs*5) in the NBN gene. It is expected to result in an absent or disrupted protein product. Loss-of-function variants in NBN are known to be pathogenic (PMID: 9590180, 16415040). This variant is not present in population databases (gnomAD no frequency). This variant has not been reported in the literature in individuals affected with NBN-related conditions. For these reasons, this variant has been classified as Pathogenic.

Literature cited by the submitters: PubMed 9590180; PubMed 16415040.